The following is an entry in ClinVar:

ClinVar aggregate classification (germline): Pathogenic/Likely pathogenic. Review status: criteria provided, multiple submitters, no conflicts (2 of 4 stars). 4 submissions from 4 submitters: Pathogenic (2); Likely pathogenic (2). Last evaluated 2025-10-02.

Conditions:
Retinitis pigmentosa 61 (RP61). Identifiers: Orphanet 791, MedGen C3280041, MONDO:0013610, OMIM 614180.
Usher syndrome type 3. Also called: Usher Syndrome, Type III. Identifiers: Orphanet 231183, MedGen C1568248, MONDO:0016485.

Allele frequency attached by ClinVar (database versions not stated): gnomAD exomes below 0.00001.
gnomAD v4.1: 2 of 1,613,522 alleles (0.00012%); highest among the groups gnomAD compares: Admixed American, 0.0033%; no homozygotes.

Submissions (4):

Myriad Genetics, Inc.
Classification: Pathogenic for Usher syndrome type 3. Last evaluated: 2025-10-02. Review status: criteria provided, single submitter. Criteria: Myriad Autosomal Dominant, Autosomal Recessive and X-Linked Classification Criteria (2023). Collection method: clinical testing. Allele origin: unknown.
Comment: NM_174878.2(CLRN1):c.513T>A(Y171*) is a nonsense variant classified as pathogenic in the context of usher syndrome type 3. Y171* has not been observed in cases with relevant disease. Relevant functional assessments of this variant are not available in the literature. Y171* has been observed in referenced population frequency databases. In summary, NM_174878.2(CLRN1):c.513T>A(Y171*) is a nonsense variant in a gene where loss of function is a known mechanism of disease and is predicted to disrupt protein function. Please note: this variant was assessed in the context of healthy population screening.

Natera, Inc.
Classification: Likely pathogenic for Usher syndrome type 3. Last evaluated: 2024-11-14. Review status: criteria provided, single submitter. Criteria: Natera Variant Classification Schema (03/2026). Collection method: clinical testing. Allele origin: germline.
Comment: The c.513T>A variant in CLRN1 is a nonsense variant predicted to introduce a stop codon at amino acid 171. This variant is expected to result in nonsense mediated decay, truncation, or a dysfunctional protein product. This variant is rare in the general population with a frequency below the threshold expected for the associated phenotype(s). Given the available evidence, this variant is classified as Likely Pathogenic.

Baylor Genetics
Classification: Likely pathogenic for Retinitis pigmentosa 61. Last evaluated: 2022-12-30. Review status: criteria provided, single submitter. Criteria: ACMG Guidelines, 2015. Collection method: clinical testing. Allele origin: unknown.

Labcorp Genetics (formerly Invitae), Labcorp
Classification: Pathogenic. Last evaluated: 2022-04-10. Review status: criteria provided, single submitter. Criteria: Invitae Variant Classification Sherloc (09022015). Collection method: clinical testing. Allele origin: germline.
Comment: For these reasons, this variant has been classified as Pathogenic. This variant disrupts a region of the CLRN1 protein in which other variant(s) (p.Arg207*) have been determined to be pathogenic (PMID: 22952768, 23304067, 26338283). This suggests that this is a clinically significant region of the protein, and that variants that disrupt it are likely to be disease-causing. This variant has not been reported in the literature in individuals affected with CLRN1-related conditions. This variant is present in population databases (no rsID available, gnomAD 0.006%). This sequence change creates a premature translational stop signal (p.Tyr171*) in the CLRN1 gene. While this is not anticipated to result in nonsense mediated decay, it is expected to disrupt the last 62 amino acid(s) of the CLRN1 protein.

Literature cited by the submitters: PubMed 22952768 (cited by Labcorp Genetics (formerly Invitae), Labcorp); PubMed 23304067 (cited by Labcorp Genetics (formerly Invitae), Labcorp); PubMed 26338283 (cited by Labcorp Genetics (formerly Invitae), Labcorp).

NM_174878.3(CLRN1):c.513T>A (p.Tyr171Ter)

Gene: CLRN1 (clarin 1; minus strand). Cytogenetic location: 3q25.1.
Variant type: single nucleotide variant.
Coding change: c.513T>A on transcript NM_174878.3 (MANE Select); coding-DNA position 513, T replaced by A.
Protein change: p.Tyr171Ter; replaces tyrosine 171 with a stop codon.
Molecular consequence: nonsense. On other transcripts: 3 prime UTR variant (1), non-coding transcript variant (1).
Genome position (GRCh38, 1-based): chr3:150,928,122, A>T on the plus strand (T>A on the coding strand, the complement: CLRN1 is on the minus strand). VCF-style: chr3-150928122-A-T. GRCh37 (hg19) VCF-style: chr3-150645909-A-T.
Other names: c.513T>A (NM_174878.2); c.552T>A, p.Tyr184Ter (NM_001195794.1); c.*127T>A (NM_001256819.2); c.285T>A, p.Tyr95Ter (NM_052995.2); short protein forms Y171*, Y95*, Y184*.
Identifiers: ClinVar variation 1455146 (VCV001455146.9), dbSNP rs745585873, ClinGen allele CA354953162.